The following is an entry in ClinVar:

ClinVar aggregate classification (germline): Uncertain significance. Review status: criteria provided, multiple submitters, no conflicts (2 of 4 stars). 3 submissions from 3 submitters: Uncertain significance (3). Last evaluated 2026-01-24.

Conditions:
Inborn genetic diseases. Identifiers: MedGen C0950123, MeSH D030342.
Larsen-like syndrome, B3GAT3 type. Also called: Multiple joint dislocations, short stature, craniofacial dysmorphism, with or without congenital heart defects; MULTIPLE JOINT DISLOCATIONS, SHORT STATURE, AND CRANIOFACIAL DYSMORPHISM WITH OR WITHOUT CONGENITAL HEART DEFECTS. Identifiers: Orphanet 284139, MedGen CN034159, MONDO:0009511, OMIM 245600.

Allele frequency attached by ClinVar (database versions not stated): ExAC 0.00003; gnomAD 0.00005; TOPMed 0.00007; gnomAD exomes 0.00011; ESP Exome Variant Server 0.00015.
gnomAD v4.1: 193 of 1,614,076 alleles (0.012%); highest among the groups gnomAD compares: Non-Finnish European, 0.014%; no homozygotes.

Submissions (3):

GeneDx
Classification: Uncertain significance. Last evaluated: 2026-01-24. Review status: criteria provided, single submitter. Criteria: GeneDx Variant Classification Process June 2021. Collection method: clinical testing. Allele origin: germline. Affected: yes.
Comment: Not observed at significant frequency in large population cohorts (gnomAD); In silico analysis suggests that this missense variant does not alter protein structure/function; Has not been previously published as pathogenic or benign to our knowledge

Ambry Genetics
Classification: Uncertain significance for Inborn genetic diseases. Last evaluated: 2025-09-11. Review status: criteria provided, single submitter. Criteria: Ambry Variant Classification Scheme 2023. Collection method: clinical testing. Allele origin: germline.

Labcorp Genetics (formerly Invitae), Labcorp
Classification: Uncertain significance for Larsen-like syndrome, B3GAT3 type. Last evaluated: 2022-08-22. Review status: criteria provided, single submitter. Criteria: Invitae Variant Classification Sherloc (09022015). Collection method: clinical testing. Allele origin: germline.
Comment: This sequence change replaces asparagine, which is neutral and polar, with serine, which is neutral and polar, at codon 268 of the B3GAT3 protein (p.Asn268Ser). This variant is present in population databases (rs372593851, gnomAD 0.01%). This variant has not been reported in the literature in individuals affected with B3GAT3-related conditions. Algorithms developed to predict the effect of missense changes on protein structure and function output the following: SIFT: "Tolerated"; PolyPhen-2: "Benign"; Align-GVGD: "Class C0". The serine amino acid residue is found in multiple mammalian species, which suggests that this missense change does not adversely affect protein function. In summary, the available evidence is currently insufficient to determine the role of this variant in disease. Therefore, it has been classified as a Variant of Uncertain Significance.

NM_012200.4(B3GAT3):c.803A>G (p.Asn268Ser)

Gene: B3GAT3 (beta-1,3-glucuronyltransferase 3; minus strand). Cytogenetic location: 11q12.3.
Variant type: single nucleotide variant.
Coding change: c.803A>G on transcript NM_012200.4 (MANE Select); coding-DNA position 803, A replaced by G.
Protein change: p.Asn268Ser; replaces asparagine 268 with serine.
Molecular consequence: missense variant. On other transcripts: non-coding transcript variant (1).
Genome position (GRCh38, 1-based): chr11:62,616,612, T>C on the plus strand (A>G on the coding strand, the complement: B3GAT3 is on the minus strand). VCF-style: chr11-62616612-T-C. GRCh37 (hg19) VCF-style: chr11-62384084-T-C.
Other names: c.782A>G, p.Asn261Ser (NM_001288721.2); c.803A>G, p.Asn268Ser (NM_001288722.2, NM_001288723.2); short protein forms N261S, N268S.
Identifiers: ClinVar variation 1810166 (VCV001810166.7), dbSNP rs372593851, ClinGen allele CA6050005.